The following is an entry in ClinVar:

NM_020779.4(WDR35):c.497C>T (p.Ala166Val)

Gene: WDR35 (WD repeat domain 35; minus strand). Cytogenetic location: 2p24.1.
Variant type: single nucleotide variant.
Coding change: c.497C>T on transcript NM_020779.4 (MANE Select); coding-DNA position 497, C replaced by T.
Protein change: p.Ala166Val; replaces alanine 166 with valine.
Molecular consequence: missense variant.
Genome position (GRCh38, 1-based): chr2:19,975,603, G>A on the plus strand (C>T on the coding strand, the complement: WDR35 is on the minus strand). VCF-style: chr2-19975603-G-A. GRCh37 (hg19) VCF-style: chr2-20175364-G-A.
Other names: c.497C>T (NM_001006657.1); c.497C>T, p.Ala166Val (NM_001006657.2); short protein forms A166V.
Identifiers: ClinVar variation 1506385 (VCV001506385.7), dbSNP rs374556044, ClinGen allele CA1543507.
Genomic context (GRCh38, chr2:19,975,603, plus strand): 5'-TGATTATCGTAAATGTGTATTTCCCCATTTGCCATTCCAAAAAGTAAGACTTTACTGTCC[G>A]CAGACCATGTTACATGGGATAGCTGTATACCCTTCAGGTCTTTTCCCCAAATACGATTGC-3'
Protein context (NP_065830.2, residues 156-176): GIQLSHVTWS[Ala166Val]DSKVLLFGMA

ClinVar aggregate classification (germline): Uncertain significance. Review status: criteria provided, multiple submitters, no conflicts (2 of 4 stars). 2 submissions from 2 submitters: Uncertain significance (2). Last evaluated 2025-04-29.

Conditions:
Inborn genetic diseases. Identifiers: MedGen C0950123, MeSH D030342.
Cranioectodermal dysplasia 2 (CED2). Identifiers: Orphanet 1515, MedGen C3150874, MONDO:0013323, OMIM 613610.
Short-rib thoracic dysplasia 7 with or without polydactyly (SRTD7). Also called: Short rib polydactyly syndrome 5; SHORT-RIB THORACIC DYSPLASIA 7 WITH POLYDACTYLY. Identifiers: Orphanet 498497, Orphanet 93271, MedGen C3279792, MONDO:0013569, OMIM 614091.

Allele frequency attached by ClinVar (database versions not stated): ExAC 0.00003.
gnomAD v4.1: 37 of 1,613,954 alleles (0.0023%); highest among the groups gnomAD compares: Middle Eastern, 0.033%; no homozygotes.

Submissions (2):

Ambry Genetics
Classification: Uncertain significance for Inborn genetic diseases. Last evaluated: 2025-04-29. Review status: criteria provided, single submitter. Criteria: Ambry Variant Classification Scheme 2023. Collection method: clinical testing. Allele origin: germline.

Labcorp Genetics (formerly Invitae), Labcorp
Classification: Uncertain significance for Cranioectodermal dysplasia 2; Short-rib thoracic dysplasia 7 with or without polydactyly. Last evaluated: 2022-07-12. Review status: criteria provided, single submitter. Criteria: Invitae Variant Classification Sherloc (09022015). Collection method: clinical testing. Allele origin: germline.
Comment: This sequence change replaces alanine, which is neutral and non-polar, with valine, which is neutral and non-polar, at codon 166 of the WDR35 protein (p.Ala166Val). This variant is present in population databases (rs374556044, gnomAD 0.05%). This variant has not been reported in the literature in individuals affected with WDR35-related conditions. ClinVar contains an entry for this variant (Variation ID: 1506385). Algorithms developed to predict the effect of missense changes on protein structure and function (SIFT, PolyPhen-2, Align-GVGD) all suggest that this variant is likely to be tolerated. In summary, the available evidence is currently insufficient to determine the role of this variant in disease. Therefore, it has been classified as a Variant of Uncertain Significance.